The following is an entry in ClinVar:

ClinVar aggregate classification (germline): Uncertain significance (1 of 4 stars; one submission).

gnomAD v4.1: 4 of 1,613,842 alleles (0.00025%); highest among the groups gnomAD compares: Admixed American, 0.005%; no homozygotes.

Submission:

GeneDx
Classification: Uncertain significance. Last evaluated: 2025-10-13. Review status: criteria provided, single submitter. Criteria: GeneDx Variant Classification Process June 2021. Collection method: clinical testing. Allele origin: germline. Affected: yes.
Comment: Reported in a patient with polycystic kidney disease in published literature; limited clinical information available for review (PMID: 29321346); In silico analysis supports that this missense variant has a deleterious effect on protein structure/function; This variant is associated with the following publications: (PMID: DeviC2024[Article], 29321346)

NM_000297.4(PKD2):c.915C>A (p.Asn305Lys)

Gene: PKD2 (polycystin 2, transient receptor potential cation channel; plus strand). Cytogenetic location: 4q22.1.
Variant type: single nucleotide variant.
Coding change: c.915C>A on transcript NM_000297.4 (MANE Select); coding-DNA position 915, C replaced by A.
Protein change: p.Asn305Lys; replaces asparagine 305 with lysine.
Molecular consequence: missense variant. On other transcripts: non-coding transcript variant (1).
Genome position (GRCh38, 1-based): chr4:88,038,322, C>A. VCF-style: chr4-88038322-C-A. GRCh37 (hg19) VCF-style: chr4-88959474-C-A.
Other names: short protein forms N305K.
Identifiers: ClinVar variation 2579450 (VCV002579450.2), dbSNP rs1033622858, ClinGen allele CA357632648.
Genomic context (GRCh38, chr4:88,038,322, plus strand): 5'-CTCCTTATTGGATGGGCTGTACTGGAAGATGCAGCCCAGCAACCAGACTGAAGCTGACAA[C>A]CGAAGTTTCATCTTCTATGAGAACCTGCTGTTAGGGGTTCCACGAATACGGCAACTCCGA-3'
Protein context (NP_000288.1, residues 295-315): MQPSNQTEAD[Asn305Lys]RSFIFYENLL